The following is an entry in ClinVar:

NM_000355.4(TCN2):c.938G>A (p.Arg313Gln)

Gene: TCN2 (transcobalamin 2; plus strand). Cytogenetic location: 22q12.2.
Variant type: single nucleotide variant.
Coding change: c.938G>A on transcript NM_000355.4 (MANE Select); coding-DNA position 938, G replaced by A.
Protein change: p.Arg313Gln; replaces arginine 313 with glutamine.
Molecular consequence: missense variant.
Genome position (GRCh38, 1-based): chr22:30,615,785, G>A. VCF-style: chr22-30615785-G-A. GRCh37 (hg19) VCF-style: chr22-31011772-G-A.
Other names: c.857G>A, p.Arg286Gln (NM_001184726.2); short protein forms R286Q, R313Q.
Identifiers: ClinVar variation 3703846 (VCV003703846.2).

ClinVar aggregate classification (germline): Uncertain significance (1 of 4 stars; one submission).

Conditions:
Transcobalamin II deficiency (TCN2D). Also called: Transcolabamin II deficiency; TC II DEFICIENCY; TCN2 DEFICIENCY. Identifiers: Orphanet 859, MedGen C0342701, MONDO:0010149, OMIM 275350.

gnomAD v4.1: 10 of 1,614,184 alleles (0.00062%); highest among the groups gnomAD compares: East Asian, 0.0045%; no homozygotes.

Submission:

Labcorp Genetics (formerly Invitae), Labcorp
Classification: Uncertain significance for Transcobalamin II deficiency. Last evaluated: 2024-06-24. Review status: criteria provided, single submitter. Criteria: Invitae Variant Classification Sherloc (09022015). Collection method: clinical testing. Allele origin: germline.
Comment: This sequence change replaces arginine, which is basic and polar, with glutamine, which is neutral and polar, at codon 313 of the TCN2 protein (p.Arg313Gln). This variant is not present in population databases (gnomAD no frequency). This variant has not been reported in the literature in individuals affected with TCN2-related conditions. Algorithms developed to predict the effect of missense changes on protein structure and function output the following: SIFT: "Not Available"; PolyPhen-2: "Benign"; Align-GVGD: "Not Available". The glutamine amino acid residue is found in multiple mammalian species, which suggests that this missense change does not adversely affect protein function. In summary, the available evidence is currently insufficient to determine the role of this variant in disease. Therefore, it has been classified as a Variant of Uncertain Significance.